The following is an entry in ClinVar:

NM_002547.3(OPHN1):c.164C>T (p.Ser55Phe)

Gene: OPHN1 (oligophrenin 1; minus strand). Cytogenetic location: Xq12.
Variant type: single nucleotide variant.
Coding change: c.164C>T on transcript NM_002547.3 (MANE Select); coding-DNA position 164, C replaced by T.
Protein change: p.Ser55Phe; replaces serine 55 with phenylalanine.
Molecular consequence: missense variant.
Genome position (GRCh38, 1-based): chrX:68,299,087, G>A on the plus strand (C>T on the coding strand, the complement: OPHN1 is on the minus strand). VCF-style: chrX-68299087-G-A. GRCh37 (hg19) VCF-style: chrX-67518929-G-A.
Other names: short protein forms S55F.
Identifiers: ClinVar variation 3376366 (VCV003376366.1).

ClinVar aggregate classification (germline): Likely pathogenic (1 of 4 stars; one submission).

Conditions:
Intellectual developmental disorder, X-linked, syndromic, Billuart type. Also called: MENTAL RETARDATION, X-LINKED 60; X-linked intellectual disability-cerebellar hypoplasia syndrome. Identifiers: Orphanet 137831, MedGen C1845366, MONDO:0010337, OMIM 300486.

gnomAD v4.1: 2 of 1,162,838 alleles (0.00017%); highest among the groups gnomAD compares: Non-Finnish European, 0.00023%; no homozygotes.

Submission:

Pittsburgh Clinical Genomics Laboratory, University of Pittsburgh Medical Center
Classification: Likely pathogenic for Intellectual developmental disorder, X-linked, syndromic, Billuart type. Last evaluated: 2024-02-05. Review status: criteria provided, single submitter. Criteria: ACMG Guidelines, 2015. Collection method: clinical testing. Allele origin: germline. Inheritance: X-linked recessive inheritance. Affected: yes.
Comment: This sequence variant is a single nucleotide substitution (C>T) at position 164 of the coding sequence of the OPHN1 gene that results in a serine to phenylalanine amino acid change at residue 55 of the oligophrenin 1 protein. This residue falls in the BAR domain of the protein (Uniprot). This de novo variant was not transmitted from either parent. This variant is absent from ClinVar but is present in the gnomAD v4.0.0 population database (2 of 1,049,075 alleles, 0.0002%). This variant has not been observed in an individual affected by a OPHN1-related disorder in the published literature, to our knowledge. Multiple bioinformatic tools predict that this amino acid change would be neutral, and the Ser55 residue at this position is moderately conserved across the vertebrate species examined. Studies examining the functional consequence of this variant have not been published, to our knowledge. Based upon the evidence, we consider this variant to be likely pathogenic. ACMG Criteria: BP4, PM2, PS2